The following is an entry in ClinVar:

NM_007194.4(CHEK2):c.883G>C (p.Glu295Gln)

Gene: CHEK2 (checkpoint kinase 2; minus strand). Cytogenetic location: 22q12.1.
Variant type: single nucleotide variant.
Coding change: c.883G>C on transcript NM_007194.4 (MANE Select); coding-DNA position 883, G replaced by C.
Protein change: p.Glu295Gln; replaces glutamic acid 295 with glutamine.
Molecular consequence: missense variant.
Genome position (GRCh38, 1-based): chr22:28,703,530, C>G on the plus strand (G>C on the coding strand, the complement: CHEK2 is on the minus strand). VCF-style: chr22-28703530-C-G. GRCh37 (hg19) VCF-style: chr22-29099518-C-G.
Other names: c.1012G>C, p.Glu338Gln (NM_001005735.3); c.220G>C, p.Glu74Gln (NM_001257387.3); c.682G>C, p.Glu228Gln (NM_001349956.3); c.883G>C, p.Glu295Gln (NM_145862.3); short protein forms E295Q, E338Q, E228Q, E74Q.
Identifiers: ClinVar variation 839173 (VCV000839173.11), dbSNP rs1345979642, ClinGen allele CA411101096.

ClinVar aggregate classification (germline): Uncertain significance. Review status: criteria provided, multiple submitters, no conflicts (2 of 4 stars). 2 submissions from 2 submitters: Uncertain significance (2). Last evaluated 2026-06-04.

Conditions:
Hereditary cancer-predisposing syndrome. Also called: Tumor predisposition; Neoplastic Syndromes, Hereditary; Hereditary neoplastic syndrome; Hereditary Cancer Syndrome. Identifiers: Orphanet 140162, MedGen C0027672, MeSH D009386, MONDO:0015356.
Familial cancer of breast. Also called: Hereditary breast cancer; BREAST CANCER, FAMILIAL; hereditary breast carcinoma. Identifiers: Orphanet 227535, MedGen C0346153, MONDO:0016419, OMIM 114480. Disease mechanism: loss of function.

Allele frequency attached by ClinVar (database versions not stated): gnomAD exomes below 0.00001.
gnomAD v4.1: 2 of 1,546,974 alleles (0.00013%); highest among the groups gnomAD compares: Non-Finnish European, 0.00018%; no homozygotes.

Submissions (2):

Ambry Genetics
Classification: Uncertain significance for Hereditary cancer-predisposing syndrome. Last evaluated: 2026-06-04. Review status: criteria provided, single submitter. Criteria: Ambry Variant Classification Scheme 2023. Collection method: clinical testing. Allele origin: germline.
Comment: The p.E295Q variant (also known as c.883G>C), located in coding exon 7 of the CHEK2 gene, results from a G to C substitution at nucleotide position 883. The glutamic acid at codon 295 is replaced by glutamine, an amino acid with highly similar properties. This variant was reported as functional in a study assessing CHEK2-complementation through quantification of KAP1 phosphorylation and CHK2 autophosphorylation in human RPE1-CHEK2-knockout cells (Stolarova L et al. Clin Cancer Res, 2023 Aug;29:3037-3050). This amino acid position is highly conserved in available vertebrate species. In addition, the in silico prediction for this alteration is inconclusive. Based on the available evidence, the clinical significance of this variant remains unclear.

Labcorp Genetics (formerly Invitae), Labcorp
Classification: Uncertain significance for Familial cancer of breast. Last evaluated: 2024-12-08. Review status: criteria provided, single submitter. Criteria: Invitae Variant Classification Sherloc (09022015). Collection method: clinical testing. Allele origin: germline.
Comment: This sequence change replaces glutamic acid, which is acidic and polar, with glutamine, which is neutral and polar, at codon 295 of the CHEK2 protein (p.Glu295Gln). The frequency data for this variant in the population databases is considered unreliable, as metrics indicate poor data quality at this position in the gnomAD database. This variant has not been reported in the literature in individuals affected with CHEK2-related conditions. ClinVar contains an entry for this variant (Variation ID: 839173). An algorithm developed to predict the effect of missense changes on protein structure and function (PolyPhen-2) suggests that this variant is likely to be tolerated. In summary, the available evidence is currently insufficient to determine the role of this variant in disease. Therefore, it has been classified as a Variant of Uncertain Significance.

Literature cited by the submitters: PubMed 37449874 (cited by Ambry Genetics).